The following is an entry in ClinVar:

ClinVar aggregate classification (germline): Pathogenic (1 of 4 stars; one submission).

Conditions:
Fanconi anemia (FA). Also called: Fanconi's anemia. Identifiers: Orphanet 84, MedGen C0015625, MeSH D005199, MONDO:0019391.

Submission:

Labcorp Genetics (formerly Invitae), Labcorp
Classification: Pathogenic for Fanconi anemia. Last evaluated: 2020-09-08. Review status: criteria provided, single submitter. Criteria: Invitae Variant Classification Sherloc (09022015). Collection method: clinical testing. Allele origin: germline.
Comment: This variant is not present in population databases (ExAC no frequency). This sequence change creates a premature translational stop signal (p.Val672Leufs*8) in the FANCA gene. It is expected to result in an absent or disrupted protein product. For these reasons, this variant has been classified as Pathogenic. Loss-of-function variants in FANCA are known to be pathogenic (PMID: 19367192). Algorithms developed to predict the effect of sequence changes on RNA splicing suggest that this variant may disrupt the consensus splice site, but this prediction has not been confirmed by published transcriptional studies. This variant has not been reported in the literature in individuals with FANCA-related conditions.

Literature cited by the submitters: PubMed 19367192.

NM_000135.4(FANCA):c.2014+1del

Gene: FANCA (FA complementation group A; minus strand). Cytogenetic location: 16q24.3.
Variant type: Deletion.
Coding change: c.2014+1del on transcript NM_000135.4 (MANE Select); the canonical splice donor site of the intron after coding-DNA position 2014, one base deleted (G; older notation c.2014+1delG).
Molecular consequence: splice donor variant.
Genome position (GRCh38, 1-based): chr16:89,773,270, C deleted on the plus strand (G on the coding strand, the reverse complement: FANCA is on the minus strand); the first of 2 consecutive C bases (chr16:89,773,270-89,773,271); deleting either gives the same sequence. VCF-style (leftmost placement, unchanged base first): chr16-89773269-AC-A. GRCh37 (hg19) VCF-style: chr16-89839677-AC-A.
Other names: c.2014+1del (NM_001286167.3).
Identifiers: ClinVar variation 1070592 (VCV001070592.7), dbSNP rs2143366415, ClinGen allele CA2499223844.